The following is an entry in ClinVar:

ClinVar aggregate classification (germline): Pathogenic/Likely pathogenic. Review status: criteria provided, multiple submitters, no conflicts (2 of 4 stars). 3 submissions from 3 submitters: Pathogenic (1); Likely pathogenic (2). Last evaluated 2025-02-17.

Conditions:
Charcot-Marie-Tooth disease axonal type 2V. Also called: CHARCOT-MARIE-TOOTH NEUROPATHY, TYPE 2V; CHARCOT-MARIE-TOOTH DISEASE, AXONAL, AUTOSOMAL DOMINANT, TYPE 2V. Identifiers: Orphanet 447964, MedGen C5569050, MONDO:0014665, OMIM 616491.
Mucopolysaccharidosis, MPS-III-B (MPS3B). Also called: MPS IIIB (Sanfilippo Syndrome Type B); N-ACETYL-ALPHA-D-GLUCOSAMINIDASE DEFICIENCY; NAGLU DEFICIENCY; MUCOPOLYSACCHARIDOSIS, TYPE IIIB; Mucopolysaccharidosis type IIIB (Sanfilippo B); SANFILIPPO SYNDROME B. Identifiers: Orphanet 79270, MedGen C0086648, MONDO:0009656, OMIM 252920.

Allele frequency attached by ClinVar (database versions not stated): gnomAD exomes below 0.00001.

Submissions (3):

Natera, Inc.
Classification: Likely pathogenic for Mucopolysaccharidosis type IIIB. Last evaluated: 2025-02-17. Review status: criteria provided, single submitter. Criteria: Natera Variant Classification Schema (03/2026). Collection method: clinical testing. Allele origin: germline.
Comment: The c.1173dupT variant in NAGLU is a frameshift variant predicted to shift the reading frame beginning at codon 392 and leads to a stop codon 69 codons downstream. This variant is expected to result in nonsense mediated decay, truncation, or a dysfunctional protein product. This variant is rare in the general population with a frequency below the threshold expected for the associated phenotype(s). Given the available evidence, this variant is classified as Likely Pathogenic.

Fulgent Genetics
Classification: Likely pathogenic for Mucopolysaccharidosis, MPS-III-B; Charcot-Marie-Tooth disease axonal type 2V. Last evaluated: 2024-02-22. Review status: criteria provided, single submitter. Criteria: ACMG Guidelines, 2015. Collection method: clinical testing. Allele origin: germline.

Labcorp Genetics (formerly Invitae), Labcorp
Classification: Pathogenic for Charcot-Marie-Tooth disease axonal type 2V; Mucopolysaccharidosis, MPS-III-B. Last evaluated: 2021-11-24. Review status: criteria provided, single submitter. Criteria: Invitae Variant Classification Sherloc (09022015). Collection method: clinical testing. Allele origin: germline.
Comment: This sequence change creates a premature translational stop signal (p.Thr392Tyrfs*69) in the NAGLU gene. While this is not anticipated to result in nonsense mediated decay, it is expected to disrupt the last 352 amino acid(s) of the NAGLU protein. This variant is not present in population databases (gnomAD no frequency). This variant has not been reported in the literature in individuals affected with NAGLU-related conditions. This variant disrupts a region of the NAGLU protein in which other variant(s) (p.Gln706*) have been determined to be pathogenic (PMID: 9443875, 29661560). This suggests that this is a clinically significant region of the protein, and that variants that disrupt it are likely to be disease-causing. For these reasons, this variant has been classified as Pathogenic.

Literature cited by the submitters: PubMed 9443875 (cited by Labcorp Genetics (formerly Invitae), Labcorp); PubMed 29661560 (cited by Labcorp Genetics (formerly Invitae), Labcorp).

NM_000263.4(NAGLU):c.1173dup (p.Thr392fs)

Gene: NAGLU (N-acetyl-alpha-glucosaminidase; plus strand). Cytogenetic location: 17q21.2.
Variant type: Duplication.
Coding change: c.1173dup on transcript NM_000263.4 (MANE Select); coding-DNA position 1173, one base duplicated (T; older notation c.1173dupT).
Protein change: p.Thr392fs; shifts the reading frame from threonine 392.
Molecular consequence: frameshift variant.
Genome position (GRCh38, 1-based): chr17:42,543,179, T duplicated. VCF-style (leftmost placement, unchanged base first): chr17-42543178-A-AT. GRCh37 (hg19) VCF-style: chr17-40695196-A-AT.
Other names: c.1173dupT (NM_000263.3); short protein forms T392fs.
Identifiers: ClinVar variation 1360395 (VCV001360395.8), dbSNP rs2143108228, ClinGen allele CA2573153972.
Genomic context (GRCh38, chr17:42,543,178, plus strand): 5'-GAGCTGTGCCCCGTGGCCGCCTCCTGGTTCTGGACCTGTTTGCTGAGAGCCAGCCTGTGT[A>AT]TACCCGCACTGCCTCCTTCCAGGGCCAGCCCTTCATCTGGTGCATGCTGCACAACTTTGG-3'